The following is an entry in ClinVar:

ClinVar aggregate classification (germline): Uncertain significance (1 of 4 stars; one submission).

Conditions:
Familial thoracic aortic aneurysm and aortic dissection (TAAD). Also called: Thoracic aortic aneurysms and dissections. Identifiers: Orphanet 91387, MedGen C4707243, MONDO:0019625.

Submission:

Color Diagnostics, LLC DBA Color Health
Classification: Uncertain significance for Familial thoracic aortic aneurysm and aortic dissection. Last evaluated: 2020-06-07. Review status: criteria provided, single submitter. Criteria: ACMG Guidelines, 2015. Collection method: clinical testing. Allele origin: germline.
Comment: This variant causes a deletion of 1 nucleotide in intron 5 of the TGFBR1 gene. Splice site prediction tools and conservation analyses are inconclusive regarding the impact of this variant on RNA splicing. To our knowledge, functional studies have not been reported for this variant. This variant has not been reported in individuals affected with cardiovascular disorders in the literature. This variant has not been identified in the general population by the Genome Aggregation Database (gnomAD). The available evidence is insufficient to determine the role of this variant in disease conclusively. Therefore, this variant is classified as a Variant of Uncertain Significance.

NM_004612.4(TGFBR1):c.974-3del

Gene: TGFBR1 (transforming growth factor beta receptor 1; plus strand). Cytogenetic location: 9q22.33.
Variant type: Deletion.
Coding change: c.974-3del on transcript NM_004612.4 (MANE Select); 3 bases into the intron before coding-DNA position 974, one base deleted (T; older notation c.974-3delT).
Molecular consequence: intron variant.
Genome position (GRCh38, 1-based): chr9:99,144,729, T deleted; the last of 3 consecutive T bases (chr9:99,144,727-99,144,729); deleting any one gives the same sequence. VCF-style (leftmost placement, unchanged base first): chr9-99144726-CT-C. GRCh37 (hg19) VCF-style: chr9-101907008-CT-C.
Other names: c.986-3del (NM_001306210.2); c.743-3del (NM_001130916.3).
Identifiers: ClinVar variation 1171994 (VCV001171994.2), dbSNP rs1443971886, ClinGen allele CA869140357.
Genomic context (GRCh38, chr9:99,144,726, plus strand): 5'-CCTAAAGATGTGAGTTGTGATTGGTATTACCTTTTAAGCAGTCATGTTTAATTTTTGATT[CT>C]TTAGGAAAGCCAGCCATTGCTCATAGAGATTTGAAATCAAAGAATATCTTGGTAAAGAAG-3'